The following is an entry in ClinVar:

ClinVar aggregate classification (germline): Pathogenic (1 of 4 stars; one submission).

Conditions:
Familial melanoma. Also called: Hereditary melanoma; Hereditary cutaneous melanoma. Identifiers: Orphanet 618, MedGen C1512419, MONDO:0018961.

Submission:

Labcorp Genetics (formerly Invitae), Labcorp
Classification: Pathogenic for Familial melanoma. Last evaluated: 2017-04-27. Review status: criteria provided, single submitter. Criteria: Invitae Variant Classification Sherloc (09022015). Collection method: clinical testing. Allele origin: germline.
Comment: For these reasons, this variant has been classified as Pathogenic. A different frameshift variant located downstream of this variant (p.Glu120Serfs*26) has been determined to be pathogenic (PMID: 9439668, 20539244, 20653773, 25780468, 26681309). This suggests that deletion of this region of the CDKN2A protein is causative of disease. This variant has been reported in the literature in an individual affected with pancreatic cancer (PMID: 21150883). This sequence change deletes 1 nucleotide from exon 2 of the CDKN2A mRNA (c.283delG), causing a frameshift at codon 95. This creates a premature translational stop signal in the penultimate exon of the CDKN2A mRNA (p.Val95Trpfs*51). While this is not anticipated to result in nonsense mediated decay, it is expected to disrupt the last 62 amino acids (~39%) of the CDKN2A protein.

Literature cited by the submitters: PubMed 9439668; PubMed 20539244; PubMed 20653773; PubMed 25780468; PubMed 26681309; PubMed 21150883.

NM_000077.5(CDKN2A):c.283del (p.Val95fs)

Gene: CDKN2A (cyclin dependent kinase inhibitor 2A; minus strand). Cytogenetic location: 9p21.3.
Variant type: Deletion.
Coding change: c.283del on transcript NM_000077.5; coding-DNA position 283, one base deleted (G; older notation c.283delG).
Protein change: p.Val95fs; shifts the reading frame from valine 95.
Molecular consequence: frameshift variant (on NM_000077.4). On other transcripts: 3 prime UTR variant (1).
Genome position (GRCh38, 1-based): chr9:21,971,076, C deleted on the plus strand (G on the coding strand, the reverse complement: CDKN2A is on the minus strand); the first of 2 consecutive C bases (chr9:21,971,076-21,971,077); deleting either gives the same sequence. VCF-style (leftmost placement, unchanged base first): chr9-21971075-AC-A. GRCh37 (hg19) VCF-style: chr9-21971074-AC-A.
Other names: c.283delG (NM_000077.4); c.282delG, p.Val95Trpfs (NM_000077.6); c.283del, p.Val95fs (NM_001195132.2); c.130del, p.Val44fs (NM_001363763.2); c.326del, p.Gly109fs (NM_058195.4); c.*206del (NM_058197.5); short protein forms G109fs, V44fs, V95fs.
Identifiers: ClinVar variation 463493 (VCV000463493.8), dbSNP rs1554654052, ClinGen allele CA658656027.